The following is an entry in ClinVar:

NM_003921.5(BCL10):c.356G>A (p.Cys119Tyr)

Gene: BCL10 (BCL10 immune signaling adaptor; minus strand). Cytogenetic location: 1p22.3.
Variant type: single nucleotide variant.
Coding change: c.356G>A on transcript NM_003921.5 (MANE Select); coding-DNA position 356, G replaced by A.
Protein change: p.Cys119Tyr; replaces cysteine 119 with tyrosine.
Molecular consequence: missense variant. On other transcripts: intron variant (1).
Genome position (GRCh38, 1-based): chr1:85,267,973, C>T on the plus strand (G>A on the coding strand, the complement: BCL10 is on the minus strand). VCF-style: chr1-85267973-C-T. GRCh37 (hg19) VCF-style: chr1-85733656-C-T.
Other names: c.356G>A (NM_003921.4); c.347-24G>A (NM_001320715.2); short protein forms C119Y.
Identifiers: ClinVar variation 1714882 (VCV001714882.6), dbSNP rs2100743931, ClinGen allele CA340949671.
Genomic context (GRCh38, chr1:85,267,973, plus strand): 5'-TCTGAATTTGATCTGGAGAGGTTGTTCGTGGCTCCATCTGGAAAAGGTTCACAACTGCTA[C>T]ATTTTAGTCCTACAATAAAATTATTCAGATGTAAATGAAAAAGTAACTAAAAAAATGGAG-3'
Protein context (NP_003912.1, residues 109-129): IKLEHLKGLK[Cys119Tyr]SSCEPFPDGA

ClinVar aggregate classification (germline): Uncertain significance. Review status: criteria provided, multiple submitters, no conflicts (2 of 4 stars). 2 submissions from 2 submitters: Uncertain significance (2). Last evaluated 2024-04-15.

Conditions:
Inborn genetic diseases. Identifiers: MedGen C0950123, MeSH D030342.
Immunodeficiency 37 (IMD37). Identifiers: MedGen C4015195, MONDO:0014491, OMIM 616098.

Allele frequency attached by ClinVar (database versions not stated): gnomAD 0.00001; 1000 Genomes Project 30x 0.00016.
gnomAD v4.1: 1 of 1,537,670 alleles (0.000065%); highest among the groups gnomAD compares: South Asian, 0.0012%; no homozygotes.

Submissions (2):

Ambry Genetics
Classification: Uncertain significance for Inborn genetic diseases. Last evaluated: 2024-04-15. Review status: criteria provided, single submitter. Criteria: Ambry Variant Classification Scheme 2023. Collection method: clinical testing. Allele origin: germline.

Labcorp Genetics (formerly Invitae), Labcorp
Classification: Uncertain significance for Immunodeficiency 37. Last evaluated: 2022-08-03. Review status: criteria provided, single submitter. Criteria: Invitae Variant Classification Sherloc (09022015). Collection method: clinical testing. Allele origin: germline.
Comment: This sequence change replaces cysteine, which is neutral and slightly polar, with tyrosine, which is neutral and polar, at codon 119 of the BCL10 protein (p.Cys119Tyr). In summary, the available evidence is currently insufficient to determine the role of this variant in disease. Therefore, it has been classified as a Variant of Uncertain Significance. Algorithms developed to predict the effect of missense changes on protein structure and function output the following: SIFT: "Tolerated"; PolyPhen-2: "Benign"; Align-GVGD: "Class C0". The tyrosine amino acid residue is found in multiple mammalian species, which suggests that this missense change does not adversely affect protein function. This variant has not been reported in the literature in individuals affected with BCL10-related conditions. This variant is not present in population databases (gnomAD no frequency).